The following is an entry in ClinVar:

ClinVar aggregate classification (germline): Uncertain significance (1 of 4 stars; one submission).

Conditions:
Catecholaminergic polymorphic ventricular tachycardia (CVPT). Also called: Catecholamine-induced polymorphic ventricular tachycardia. Identifiers: Orphanet 3286, MedGen C5574922, MONDO:0017990.

Submission:

All of Us Research Program, National Institutes of Health
Classification: Uncertain significance for Catecholaminergic polymorphic ventricular tachycardia. Last evaluated: 2023-06-26. Review status: criteria provided, single submitter. Criteria: ACMG Guidelines, 2015. Collection method: clinical testing. Allele origin: germline. Inheritance: Autosomal dominant inheritance. Observed: 1 variant allele, 1 heterozygote.
Comment: This missense variant replaces asparagine with histidine at codon 1216 of the RYR2 protein. Computational prediction suggests that this variant may have deleterious impact on protein structure and function (internally defined REVEL score threshold >= 0.7, PMID: 27666373). To our knowledge, functional studies have not been reported for this variant. This variant has not been reported in individuals affected with RYR2-related disorders in the literature. This variant has not been identified in the general population by the Genome Aggregation Database (gnomAD). The available evidence is insufficient to determine the role of this variant in disease conclusively. Therefore, this variant is classified as a Variant of Uncertain Significance.

This study involves interpretation of variants in research participants for the purpose of population health screening. Participant phenotype was not available at the time of variant classification. Additional details can be found in publication PMID: 35346344, PMCID: PMC8962531

NM_001035.3(RYR2):c.3646A>C (p.Asn1216His)

Gene: RYR2 (ryanodine receptor 2; plus strand). Cytogenetic location: 1q43.
Variant type: single nucleotide variant.
Coding change: c.3646A>C on transcript NM_001035.3 (MANE Select); coding-DNA position 3646, A replaced by C.
Protein change: p.Asn1216His; replaces asparagine 1216 with histidine.
Molecular consequence: missense variant.
Genome position (GRCh38, 1-based): chr1:237,589,840, A>C. VCF-style: chr1-237589840-A-C. GRCh37 (hg19) VCF-style: chr1-237753140-A-C.
Other names: short protein forms N1216H.
Identifiers: ClinVar variation 3072162 (VCV003072162.1), dbSNP rs2546606232, ClinGen allele CA345396224.